The following is an entry in ClinVar:

NM_020987.5(ANK3):c.9388G>C (p.Gly3130Arg)

Gene: ANK3 (ankyrin 3; minus strand). Cytogenetic location: 10q21.2.
Variant type: single nucleotide variant.
Coding change: c.9388G>C on transcript NM_020987.5 (MANE Select); coding-DNA position 9388, G replaced by C.
Protein change: p.Gly3130Arg; replaces glycine 3130 with arginine.
Molecular consequence: missense variant. On other transcripts: intron variant (4).
Genome position (GRCh38, 1-based): chr10:60,071,493, C>G on the plus strand (G>C on the coding strand, the complement: ANK3 is on the minus strand). VCF-style: chr10-60071493-C-G. GRCh37 (hg19) VCF-style: chr10-61831251-C-G.
Other names: c.4388-3484G>C (NM_001204403.2); c.4409-3484G>C (NM_001204404.2); c.4406-3484G>C (NM_001320874.2); c.1808-3484G>C (NM_001149.4); short protein forms G3130R.
Identifiers: ClinVar variation 2004753 (VCV002004753.4), dbSNP rs1003088173, ClinGen allele CA207324355.

ClinVar aggregate classification (germline): Uncertain significance (1 of 4 stars; one submission).

Allele frequency attached by ClinVar (database versions not stated): gnomAD exomes below 0.00001.
gnomAD v4.1: 1 of 1,613,874 alleles (0.000062%); highest among the groups gnomAD compares: Non-Finnish European, 0.000085%; no homozygotes.

Submission:

Labcorp Genetics (formerly Invitae), Labcorp
Classification: Uncertain significance. Last evaluated: 2022-06-22. Review status: criteria provided, single submitter. Criteria: Invitae Variant Classification Sherloc (09022015). Collection method: clinical testing. Allele origin: germline.
Comment: Algorithms developed to predict the effect of missense changes on protein structure and function are either unavailable or do not agree on the potential impact of this missense change (SIFT: "Not Available"; PolyPhen-2: "Probably Damaging"; Align-GVGD: "Not Available"). In summary, the available evidence is currently insufficient to determine the role of this variant in disease. Therefore, it has been classified as a Variant of Uncertain Significance. This variant has not been reported in the literature in individuals affected with ANK3-related conditions. This sequence change replaces glycine, which is neutral and non-polar, with arginine, which is basic and polar, at codon 3130 of the ANK3 protein (p.Gly3130Arg). This variant is not present in population databases (gnomAD no frequency).